The following is an entry in ClinVar:

ClinVar aggregate classification (germline): Likely benign (1 of 4 stars; one submission).

Allele frequency attached by ClinVar (database versions not stated): 1000 Genomes Project 30x 0.00250; 1000 Genomes Project 0.00260; ESP Exome Variant Server 0.00485; ExAC 0.00956.
gnomAD v4.1: 9,901 of 1,604,586 alleles (0.62%); highest among the groups gnomAD compares: Middle Eastern, 0.65%; 71 homozygotes.

Submission:

CeGaT Center for Human Genetics Tuebingen
Classification: Likely benign. Last evaluated: 2023-03-01. Review status: criteria provided, single submitter. Criteria: CeGaT Center For Human Genetics Tuebingen Variant Classification Criteria Version 2. Collection method: clinical testing. Allele origin: germline. Affected: yes. Observed: 2 variant alleles.
Comment: INTS15: BP4, BP7, BS2

NM_024067.4(INTS15):c.132C>G (p.Pro44=)

Gene: INTS15 (integrator complex subunit 15; plus strand). Cytogenetic location: 7p22.1.
Variant type: single nucleotide variant.
Coding change: c.132C>G on transcript NM_024067.4 (MANE Select); coding-DNA position 132, C replaced by G.
Protein change: p.Pro44=; no amino-acid change (proline 44 retained).
Molecular consequence: synonymous variant.
Genome position (GRCh38, 1-based): chr7:6,590,415, C>G. VCF-style: chr7-6590415-C-G. GRCh37 (hg19) VCF-style: chr7-6630046-C-G.
Other names: c.132C>G, p.Pro44= (NM_001303039.2).
Identifiers: ClinVar variation 2657307 (VCV002657307.24), dbSNP rs146606811, ClinGen allele CA4156104.